The following is an entry in ClinVar:

NM_001372.4(DNAH9):c.13278del (p.Met4427fs)

Gene: DNAH9 (dynein axonemal heavy chain 9; plus strand). Cytogenetic location: 17p12.
Variant type: Deletion.
Coding change: c.13278del on transcript NM_001372.4 (MANE Select); coding-DNA position 13278, one base deleted (T; older notation c.13278delT).
Protein change: p.Met4427fs; shifts the reading frame from methionine 4427.
Molecular consequence: frameshift variant.
Genome position (GRCh38, 1-based): chr17:11,969,344, T deleted. VCF-style (leftmost placement, unchanged base first): chr17-11969343-CT-C. GRCh37 (hg19) VCF-style: chr17-11872660-CT-C.
Other names: c.2214del, p.Met739fs (NM_004662.2); short protein forms M4427fs, M739fs.
Identifiers: ClinVar variation 4883930 (VCV004883930.2).

ClinVar aggregate classification (germline): Uncertain significance (1 of 4 stars; one submission).

Submission:

Dasa
Classification: Uncertain significance. Last evaluated: 2024-11-30. Review status: criteria provided, single submitter. Criteria: DASA Assertion Criteria. Collection method: clinical testing. Allele origin: germline.
Comment: NM_001372.4(DNAH9):c.13278del (p.Met4427Cysfs*3) is a frameshift variant in DNAH9 predicted to alter the reading frame and introduce a premature termination codon. This variant is rare in population databases. The currently available literature and clinical evidence are not sufficient to establish a definitive association between this variant and the reported condition. Therefore, this variant is classified as a variant of uncertain significance.